The following is an entry in ClinVar:

NM_024666.5(AAGAB):c.555C>A (p.Ser185Arg)

Gene: AAGAB (alpha and gamma adaptin binding protein; minus strand). Cytogenetic location: 15q23.
Variant type: single nucleotide variant.
Coding change: c.555C>A on transcript NM_024666.5 (MANE Select); coding-DNA position 555, C replaced by A.
Protein change: p.Ser185Arg; replaces serine 185 with arginine.
Molecular consequence: missense variant.
Genome position (GRCh38, 1-based): chr15:67,209,525, G>T on the plus strand (C>A on the coding strand, the complement: AAGAB is on the minus strand). VCF-style: chr15-67209525-G-T. GRCh37 (hg19) VCF-style: chr15-67501863-G-T.
Other names: c.228C>A, p.Ser76Arg (NM_001271885.2, NM_001271886.2); short protein forms S185R, S76R.
Identifiers: ClinVar variation 2500620 (VCV002500620.2), dbSNP rs1328662557, ClinGen allele CA392960943.

ClinVar aggregate classification (germline): Uncertain significance (1 of 4 stars; one submission).

Allele frequency attached by ClinVar (database versions not stated): gnomAD 0.00001; TOPMed 0.00001.
gnomAD v4.1: 3 of 1,613,918 alleles (0.00019%); highest among the groups gnomAD compares: African/African-American, 0.0027%; no homozygotes.

Submission:

GeneDx
Classification: Uncertain significance. Last evaluated: 2026-04-03. Review status: criteria provided, single submitter. Criteria: GeneDx Variant Classification Process June 2021. Collection method: clinical testing. Allele origin: germline.
Comment: In silico analysis supports that this missense variant does not alter protein structure/function; Has not been previously published as pathogenic or benign to our knowledge